The following is an entry in ClinVar:

NM_001161352.2(KCNMA1):c.3158A>G (p.Asn1053Ser)

Genes: KCNMA1 (potassium calcium-activated channel subfamily M alpha 1; minus strand), KCNMA1-AS1 (KCNMA1 antisense RNA 1; plus strand). Cytogenetic location: 10q22.3.
Variant type: single nucleotide variant.
Coding change: c.3158A>G on transcript NM_001161352.2 (MANE Select); coding-DNA position 3158, A replaced by G.
Protein change: p.Asn1053Ser; replaces asparagine 1053 with serine.
Molecular consequence: missense variant.
Genome position (GRCh38, 1-based): chr10:76,891,709, T>C on the plus strand (A>G on the coding strand, the complement: KCNMA1 is on the minus strand). VCF-style: chr10-76891709-T-C. GRCh37 (hg19) VCF-style: chr10-78651467-T-C.
Other names: NP_001154824.1:p.(Asn1053Ser); c.2984A>G, p.Asn995Ser (NM_002247.4, NM_001322832.2); c.2996A>G, p.Asn999Ser (NM_001014797.3); c.3107A>G, p.Asn1036Ser (NM_001161353.2); c.2834A>G, p.Asn945Ser (NM_001271518.2); c.3074A>G, p.Asn1025Ser (NM_001271519.2); c.2993A>G, p.Asn998Ser (NM_001322829.2, NM_001322836.2); c.3086A>G, p.Asn1029Ser (NM_001322830.2); and 3 more; short protein forms N995S, N999S, N1053S, N1025S, N1026S, N1029S, N1036S, N844S.
Identifiers: ClinVar variation 265313 (VCV000265313.53), dbSNP rs886039469, ClinGen allele CA10588480.

ClinVar aggregate classification (germline): Pathogenic. Review status: criteria provided, multiple submitters, no conflicts (2 of 4 stars). 8 submissions from 8 submitters: Pathogenic (5). 3 of the submissions do not count toward it. Last evaluated 2025-12-05.

Conditions:
Generalized epilepsy-paroxysmal dyskinesia syndrome (PNKD3). Also called: Generalized epilepsy and paroxysmal dyskinesia; Paroxysmal nonkinesigenic dyskinesia, 3, with or without generalized epilepsy. Identifiers: Orphanet 79137, MedGen C5574945, MONDO:0012276, OMIM 609446.
Epileptic encephalopathy. Identifiers: MedGen C0543888, HP:0200134.

Submissions (8):

Labcorp Genetics (formerly Invitae), Labcorp
Classification: Pathogenic for Generalized epilepsy-paroxysmal dyskinesia syndrome. Last evaluated: 2025-12-05. Review status: criteria provided, single submitter. Criteria: Invitae Variant Classification Sherloc (09022015). Collection method: clinical testing. Allele origin: germline.
Comment: This sequence change replaces asparagine, which is neutral and polar, with serine, which is neutral and polar, at codon 995 of the KCNMA1 protein (p.Asn995Ser). This variant is not present in population databases (gnomAD no frequency). This missense change has been observed in individual(s) with autosomal dominant epilepsy and/or paroxysomal dyskinesia (PMID: 26195193, 29330545; internal data). In at least one individual the variant was observed to be de novo. This variant is also known as c.3158A>G (p.Asn1053Ser). ClinVar contains an entry for this variant (Variation ID: 265313). Invitae Evidence Modeling of protein sequence and biophysical properties (such as structural, functional, and spatial information, amino acid conservation, physicochemical variation, residue mobility, and thermodynamic stability) has been performed for this missense variant. However, the output from this modeling did not meet the statistical confidence thresholds required to predict the impact of this variant on KCNMA1 protein function. Experimental studies have shown that this missense change affects KCNMA1 function (PMID: 29330545). For these reasons, this variant has been classified as Pathogenic.

CeGaT Center for Human Genetics Tuebingen
Classification: Pathogenic. Last evaluated: 2025-04-01. Review status: criteria provided, single submitter. Criteria: CeGaT Center For Human Genetics Tuebingen Variant Classification Criteria Version 2. Collection method: clinical testing. Allele origin: germline. Affected: yes. Observed: 2 variant alleles.
Comment: KCNMA1: PS2, PS4, PM2, PP2, PP3, PS3:Supporting

Unidad de Genómica Garrahan, Hospital de Pediatría Garrahan
Classification: Pathogenic for Epileptic encephalopathy. Last evaluated: 2024-01-01. Review status: criteria provided, single submitter. Criteria: ACMG Guidelines, 2015. Collection method: clinical testing. Allele origin: germline. Affected: yes. Observed: 1 variant allele.
Comment: ACMG/AMP criteria applied: PS2_strong, PS3_moderate, PM2_moderate, PP2_supporting, PP3_supporting.

GeneDx
Classification: Pathogenic. Last evaluated: 2023-01-03. Review status: criteria provided, single submitter. Criteria: GeneDx Variant Classification Process June 2021. Collection method: clinical testing. Allele origin: germline. Affected: yes.
Comment: Published functional studies demonstrate that N995S results in a gain-of-function with markedly increased macroscopic potassium current (Li et al., 2018; Moldenhauer et al., 2020); In silico analysis supports that this missense variant has a deleterious effect on protein structure/function; Not observed at significant frequency in large population cohorts (gnomAD); Also known as N1053S using alternate nomenclature; This variant is associated with the following publications: (PMID: 32132200, 32655623, 26195193, 29330545, 30525188, 31152168, 31851553, 32633875, 33043086, 33767182)

Undiagnosed Diseases Network, NIH
Classification: Pathogenic for Generalized epilepsy-paroxysmal dyskinesia syndrome. Last evaluated: 2018-10-05. Review status: criteria provided, single submitter. Criteria: ACMG Guidelines, 2015. Collection method: clinical testing. Allele origin: de novo. Inheritance: Autosomal dominant inheritance. Affected: yes. Observed: 1 variant allele, 1 heterozygote.

Pediatric Genetics Clinic, Sheba Medical Center
Classification: Likely pathogenic for Generalized epilepsy-paroxysmal dyskinesia syndrome. Last evaluated: 2021-05-13. Review status: no assertion criteria provided. Collection method: clinical testing. Allele origin: unknown. Affected: yes. Observed: 1 compound heterozygote. Not counted in ClinVar's aggregate classification.

OMIM
Classification: Pathogenic for PAROXYSMAL NONKINESIGENIC DYSKINESIA, 3, WITH OR WITHOUT GENERALIZED EPILEPSY. Last evaluated: 2017-08-30. Review status: no assertion criteria provided. Collection method: literature only. Allele origin: germline. Not counted in ClinVar's aggregate classification.

Center of Excellence for Medical Genomics, Chulalongkorn University
Classification: Likely pathogenic for Generalized epilepsy-paroxysmal dyskinesia syndrome. Last evaluated: 2002-09-08. Review status: no assertion criteria provided. Collection method: research. Allele origin: unknown. Affected: yes. Not counted in ClinVar's aggregate classification.

Literature cited by the submitters: PubMed 26195193 (cited by Labcorp Genetics (formerly Invitae), Labcorp and OMIM); PubMed 29330545 (cited by Labcorp Genetics (formerly Invitae), Labcorp).